The following is an entry in ClinVar:

NM_001131016.2(CIZ1):c.1257_1258insGAGCTG (p.Val419_Gln420insGluLeu)

Gene: CIZ1 (CDKN1A interacting zinc finger protein 1; minus strand). Cytogenetic location: 9q34.11.
Variant type: Insertion.
Coding change: c.1257_1258insGAGCTG on transcript NM_001131016.2 (MANE Select); coding-DNA positions 1257 to 1258, GAGCTG inserted.
Protein change: p.Val419_Gln420insGluLeu.
Molecular consequence: inframe insertion. On other transcripts: intron variant (3).
Genome position: GRCh38 VCF-style: chr9-128178949-G-GCAGCTC. GRCh37 (hg19) VCF-style: chr9-130941228-G-GCAGCTC.
Other names: c.1347_1348insGAGCTG, p.Val449_Gln450insGluLeu (NM_001257975.2); c.954_955insGAGCTG, p.Val318_Gln319insGluLeu (NM_001257976.2); c.1257_1258insGAGCTG, p.Val419_Gln420insGluLeu (NM_012127.3); c.1135-46_1135-45insTGGAGC (NM_001131015.2); c.1063-46_1063-45insTGGAGC (NM_001131018.2); c.1120-46_1120-45insTGGAGC (NM_001131017.2).
Identifiers: ClinVar variation 2037081 (VCV002037081.4), dbSNP rs1197750396, ClinGen allele CA590940141.

ClinVar aggregate classification (germline): Uncertain significance (1 of 4 stars; one submission).

Conditions:
Dystonic disorder. Also called: Dystonia. Identifiers: MedGen C0013421, MONDO:0003441, HP:0001332.

Submission:

Labcorp Genetics (formerly Invitae), Labcorp
Classification: Uncertain significance for Dystonic disorder. Last evaluated: 2023-07-17. Review status: criteria provided, single submitter. Criteria: Invitae Variant Classification Sherloc (09022015). Collection method: clinical testing. Allele origin: germline.
Comment: In summary, the available evidence is currently insufficient to determine the role of this variant in disease. Therefore, it has been classified as a Variant of Uncertain Significance. ClinVar contains an entry for this variant (Variation ID: 2037081). This variant has not been reported in the literature in individuals affected with CIZ1-related conditions. This variant is present in population databases (no rsID available, gnomAD 0.007%). This variant, c.1257_1258insGAGCTG, results in the insertion of 2 amino acid(s) of the CIZ1 protein (p.Val419_Gln420insGluLeu), but otherwise preserves the integrity of the reading frame.